The following is an entry in ClinVar:

ClinVar aggregate classification (germline): Likely benign (0 of 4 stars; one submission).

Conditions:
SDK2-related disorder. Also called: SDK2-related condition.

Allele frequency attached by ClinVar (database versions not stated): gnomAD 0.00011; TOPMed 0.00014; ESP Exome Variant Server 0.00016; ExAC 0.00099.
gnomAD v4.1: 273 of 1,557,296 alleles (0.018%); highest among the groups gnomAD compares: South Asian, 0.14%; no homozygotes.

Submission:

PreventionGenetics, part of Exact Sciences
Classification: Likely benign for SDK2-related condition. Last evaluated: 2019-02-28. Review status: no assertion criteria provided. Collection method: clinical testing. Allele origin: germline.
Comment: This variant is classified as likely benign based on ACMG/AMP sequence variant interpretation guidelines (Richards et al. 2015 PMID: 25741868, with internal and published modifications).

NM_001144952.2(SDK2):c.2820C>G (p.Thr940=)

Gene: SDK2 (sidekick cell adhesion molecule 2; minus strand). Cytogenetic location: 17q25.1.
Variant type: single nucleotide variant.
Coding change: c.2820C>G on transcript NM_001144952.2 (MANE Select); coding-DNA position 2820, C replaced by G.
Protein change: p.Thr940=; no amino-acid change (threonine 940 retained).
Molecular consequence: synonymous variant.
Genome position (GRCh38, 1-based): chr17:73,401,171, G>C on the plus strand (C>G on the coding strand, the complement: SDK2 is on the minus strand). VCF-style: chr17-73401171-G-C. GRCh37 (hg19) VCF-style: chr17-71397310-G-C.
Identifiers: ClinVar variation 3046813 (VCV003046813.2), dbSNP rs146716999, ClinGen allele CA8743338.